The following is an entry in ClinVar:

ClinVar aggregate classification (germline): Uncertain significance (1 of 4 stars; one submission).

Submission:

Labcorp Genetics (formerly Invitae), Labcorp
Classification: Uncertain significance. Last evaluated: 2023-08-10. Review status: criteria provided, single submitter. Criteria: Invitae Variant Classification Sherloc (09022015). Collection method: clinical testing. Allele origin: germline.
Comment: This sequence change replaces asparagine, which is neutral and polar, with aspartic acid, which is acidic and polar, at codon 259 of the YARS2 protein (p.Asn259Asp). This variant is not present in population databases (gnomAD no frequency). This variant has not been reported in the literature in individuals affected with YARS2-related conditions. ClinVar contains an entry for this variant (Variation ID: 2001490). Advanced modeling of protein sequence and biophysical properties (such as structural, functional, and spatial information, amino acid conservation, physicochemical variation, residue mobility, and thermodynamic stability) performed at Invitae indicates that this missense variant is not expected to disrupt YARS2 protein function. In summary, the available evidence is currently insufficient to determine the role of this variant in disease. Therefore, it has been classified as a Variant of Uncertain Significance.

NM_001040436.3(YARS2):c.775A>G (p.Asn259Asp)

Gene: YARS2 (tyrosyl-tRNA synthetase 2; minus strand). Cytogenetic location: 12p11.21.
Variant type: single nucleotide variant.
Coding change: c.775A>G on transcript NM_001040436.3 (MANE Select); coding-DNA position 775, A replaced by G.
Protein change: p.Asn259Asp; replaces asparagine 259 with aspartic acid.
Molecular consequence: missense variant.
Genome position (GRCh38, 1-based): chr12:32,755,100, T>C on the plus strand (A>G on the coding strand, the complement: YARS2 is on the minus strand). VCF-style: chr12-32755100-T-C. GRCh37 (hg19) VCF-style: chr12-32908034-T-C.
Other names: short protein forms N259D.
Identifiers: ClinVar variation 2001490 (VCV002001490.4), dbSNP rs2541162932, ClinGen allele CA384373177.
Genomic context (GRCh38, chr12:32,755,100, plus strand): 5'-TACTAGTGTGTAAATTATTTGGTCCCAGGATTTCCCCAAGGTTTAAAGGCACTTACTTGT[T>C]GATGAACTCATATCCGGACATGATGTTGCCTAGTTGATCAGATCCGCCCAGCTGGACCCT-3'
Protein context (NP_001035526.1, residues 249-269): GNIMSGYEFI[Asn259Asp]KLTGEDVFGI